The following is an entry in ClinVar:

NM_016204.4(GDF2):c.938C>A (p.Thr313Asn)

Gene: GDF2 (growth differentiation factor 2; plus strand). Cytogenetic location: 10q11.22.
Variant type: single nucleotide variant.
Coding change: c.938C>A on transcript NM_016204.4 (MANE Select); coding-DNA position 938, C replaced by A.
Protein change: p.Thr313Asn; replaces threonine 313 with asparagine.
Molecular consequence: missense variant.
Genome position (GRCh38, 1-based): chr10:47,325,432, C>A. VCF-style: chr10-47325432-C-A. GRCh37 (hg19) VCF-style: chr10-48413930-G-T.
Other names: short protein forms T313N.
Identifiers: ClinVar variation 4857920 (VCV004857920.1).

ClinVar aggregate classification (germline): Uncertain significance (1 of 4 stars; one submission).

Conditions:
Cardiovascular phenotype. Identifiers: MedGen CN230736.

Submission:

Ambry Genetics
Classification: Uncertain significance for Cardiovascular phenotype. Last evaluated: 2026-04-27. Review status: criteria provided, single submitter. Criteria: Ambry Variant Classification Scheme 2023. Collection method: clinical testing. Allele origin: germline.
Comment: The p.T313N variant (also known as c.938C>A), located in coding exon 2 of the GDF2 gene, results from a C to A substitution at nucleotide position 938. The threonine at codon 313 is replaced by asparagine, an amino acid with similar properties. This amino acid position is conserved. Based on the available evidence, the clinical significance of this variant remains unclear.